The following is an entry in ClinVar:

NM_006389.5(HYOU1):c.348C>T (p.Tyr116=)

Gene: HYOU1 (hypoxia up-regulated 1; minus strand). Cytogenetic location: 11q23.3.
Variant type: single nucleotide variant.
Coding change: c.348C>T on transcript NM_006389.5 (MANE Select); coding-DNA position 348, C replaced by T.
Protein change: p.Tyr116=; no amino-acid change (tyrosine 116 retained).
Molecular consequence: synonymous variant.
Genome position (GRCh38, 1-based): chr11:119,055,256, G>A on the plus strand (C>T on the coding strand, the complement: HYOU1 is on the minus strand). VCF-style: chr11-119055256-G-A. GRCh37 (hg19) VCF-style: chr11-118925968-G-A.
Other names: c.348C>T, p.Tyr116= (NM_001130991.3, NM_001411041.1).
Identifiers: ClinVar variation 2125120 (VCV002125120.4), dbSNP rs782335852, ClinGen allele CA229648930.

ClinVar aggregate classification (germline): Uncertain significance (1 of 4 stars; one submission).

Allele frequency attached by ClinVar (database versions not stated): gnomAD exomes 0.00001; TOPMed 0.00001.
gnomAD v4.1: 4 of 1,614,158 alleles (0.00025%); highest among the groups gnomAD compares: East Asian, 0.0067%; no homozygotes.

Submission:

Labcorp Genetics (formerly Invitae), Labcorp
Classification: Uncertain significance. Last evaluated: 2022-04-29. Review status: criteria provided, single submitter. Criteria: Invitae Variant Classification Sherloc (09022015). Collection method: clinical testing. Allele origin: germline.
Comment: In summary, the available evidence is currently insufficient to determine the role of this variant in disease. Therefore, it has been classified as a Variant of Uncertain Significance. This variant has not been reported in the literature in individuals affected with HYOU1-related conditions. This variant is present in population databases (rs782335852, gnomAD 0.01%). This sequence change affects codon 116 of the HYOU1 mRNA. It is a 'silent' change, meaning that it does not change the encoded amino acid sequence of the HYOU1 protein.